The following is an entry in ClinVar:

ClinVar aggregate classification (germline): Uncertain significance (1 of 4 stars; one submission).

Allele frequency attached by ClinVar (database versions not stated): gnomAD exomes 0.00001 and 0.00003; TOPMed 0.00002; ExAC 0.00003; gnomAD 0.00003; 1000 Genomes Project 30x 0.00016; 1000 Genomes Project 0.00020.

Submission:

GeneDx
Classification: Uncertain significance. Last evaluated: 2019-07-18. Review status: criteria provided, single submitter. Criteria: GeneDx Variant Classification Process June 2021. Collection method: clinical testing. Allele origin: germline. Affected: yes.
Comment: In silico analysis, which includes protein predictors and evolutionary conservation, supports a deleterious effect; Has not been previously published as pathogenic or benign to our knowledge

NM_020944.3(GBA2):c.584G>A (p.Arg195His)

Gene: GBA2 (glucosylceramidase beta 2; minus strand). Cytogenetic location: 9p13.3.
Variant type: single nucleotide variant.
Coding change: c.584G>A on transcript NM_020944.3 (MANE Select); coding-DNA position 584, G replaced by A.
Protein change: p.Arg195His; replaces arginine 195 with histidine.
Molecular consequence: missense variant.
Genome position (GRCh38, 1-based): chr9:35,741,874, C>T on the plus strand (G>A on the coding strand, the complement: GBA2 is on the minus strand). VCF-style: chr9-35741874-C-T. GRCh37 (hg19) VCF-style: chr9-35741871-C-T.
Other names: c.584G>A, p.Arg195His (NM_001330660.2); short protein forms R195H.
Identifiers: ClinVar variation 1307257 (VCV001307257.2), dbSNP rs537986230, ClinGen allele CA5050665.
Genomic context (GRCh38, chr9:35,741,874, plus strand): 5'-CGGAGGACACTTGGGCGCTCCAGGGACAGGACTTGCTGGTACACAGTCTGCCCTTCCCGA[C>T]GCAGGCACACTGTGAACTTAAGAGGGCAGATAGGCTGGAACGGGGTAAACCACAGGGACC-3'
Protein context (NP_065995.1, residues 185-205): VIADQFTVCL[Arg195His]REGQTVYQQV